The following is an entry in ClinVar:

ClinVar aggregate classification (germline): Uncertain significance (1 of 4 stars; one submission).

Allele frequency attached by ClinVar (database versions not stated): TOPMed below 0.00001; gnomAD 0.00001; gnomAD exomes 0.00001.
gnomAD v4.1: 19 of 1,614,030 alleles (0.0012%); highest among the groups gnomAD compares: South Asian, 0.0022%; no homozygotes.

Submission:

Labcorp Genetics (formerly Invitae), Labcorp
Classification: Uncertain significance. Last evaluated: 2022-06-27. Review status: criteria provided, single submitter. Criteria: Invitae Variant Classification Sherloc (09022015). Collection method: clinical testing. Allele origin: germline.
Comment: This sequence change replaces alanine, which is neutral and non-polar, with valine, which is neutral and non-polar, at codon 329 of the DEAF1 protein (p.Ala329Val). In summary, the available evidence is currently insufficient to determine the role of this variant in disease. Therefore, it has been classified as a Variant of Uncertain Significance. Algorithms developed to predict the effect of missense changes on protein structure and function are either unavailable or do not agree on the potential impact of this missense change (SIFT: "Deleterious"; PolyPhen-2: "Benign"; Align-GVGD: "Class C0"). This variant has not been reported in the literature in individuals affected with DEAF1-related conditions. This variant is present in population databases (no rsID available, gnomAD 0.003%).

NM_021008.4(DEAF1):c.986C>T (p.Ala329Val)

Gene: DEAF1 (DEAF1 transcription factor; minus strand). Cytogenetic location: 11p15.5.
Variant type: single nucleotide variant.
Coding change: c.986C>T on transcript NM_021008.4 (MANE Select); coding-DNA position 986, C replaced by T.
Protein change: p.Ala329Val; replaces alanine 329 with valine.
Molecular consequence: missense variant. On other transcripts: intron variant (1).
Genome position (GRCh38, 1-based): chr11:680,974, G>A on the plus strand (C>T on the coding strand, the complement: DEAF1 is on the minus strand). VCF-style: chr11-680974-G-A. GRCh37 (hg19) VCF-style: chr11-680974-G-A.
Other names: c.260C>T, p.Ala87Val (NM_001367390.1, NM_001440885.1, NM_001440886.1 and 1 more transcripts); c.986C>T, p.Ala329Val (NM_001440883.1, NM_001440884.1); c.731-1158C>T (NM_001293634.2); short protein forms A329V, A87V.
Identifiers: ClinVar variation 1347213 (VCV001347213.6), dbSNP rs990462670, ClinGen allele CA378927848.
Genomic context (GRCh38, chr11:680,974, plus strand): 5'-TGCACTCAGGTCCCCTCAGTAAACTAGAGCTGTGTTTTCTCAAACTCACAGGTGGTAGCC[G>A]CGGTGGCTGGAAGCAATGTGATGTTCTTGGGGGAGTCCTTCTTCACGGGAGTTGTGGGCA-3'
Protein context (NP_066288.2, residues 319-339): PKNITLLPAT[Ala329Val]ATTFTVTPSG